The following is an entry in ClinVar:

ClinVar aggregate classification (germline): Conflicting classifications of pathogenicity. Review status: criteria provided, conflicting classifications (1 of 4 stars). 4 submissions from 4 submitters: Uncertain significance (2); Likely benign (2). Last evaluated 2026-03-27.

Conditions:
Multiple cutaneous and mucosal venous malformations (VMCM). Also called: TEK-Related Multiple Cutaneous and Mucosal Venous Malformations (VMCM). Identifiers: Orphanet 2451, MedGen C1838437, MONDO:0010842, OMIM 600195.
Inborn genetic diseases. Identifiers: MedGen C0950123, MeSH D030342.

Allele frequency attached by ClinVar (database versions not stated): ExAC 0.00002; TOPMed 0.00006; gnomAD exomes 0.00007; gnomAD 0.00009; ESP Exome Variant Server 0.00015.
gnomAD v4.1: 120 of 1,614,048 alleles (0.0074%); highest among the groups gnomAD compares: Non-Finnish European, 0.0099%; no homozygotes.

Submissions (4):

Clinical Genomics Laboratory, Washington University in St. Louis
Classification: Uncertain significance for Multiple cutaneous and mucosal venous malformations. Last evaluated: 2026-03-27. Review status: criteria provided, single submitter. Criteria: ACMG Guidelines, 2015. Collection method: clinical testing. Allele origin: germline.
Comment: A TEK c.59T>C (p.Val20Ala) variant was identified at a near heterozygous allelic fraction of 47.1%, a frequency which may be consistent with it being of germline origin. The TEK c.59T>C (p.Val20Ala) variant, to our knowledge, has not been reported in the medical literature but has been reported in the ClinVar database as a germline variant of uncertain significance by one submitter and likely benign by two submitters (Variation ID: 2571330). This variant is observed in 120/1,614,048 alleles in the general population (gnomAD v4.1.0). Computational predictors suggest that the variant does not impact TEK function. Due to limited information, and based on ACMG/AMP guidelines for variant interpretation (Richards S et al., PMID: 25741868), the clinical significance of this variant is uncertain at this time.

Ambry Genetics
Classification: Uncertain significance for Inborn genetic diseases. Last evaluated: 2025-08-13. Review status: criteria provided, single submitter. Criteria: Ambry Variant Classification Scheme 2023. Collection method: clinical testing. Allele origin: germline.

Labcorp Genetics (formerly Invitae), Labcorp
Classification: Likely benign. Last evaluated: 2023-10-20. Review status: criteria provided, single submitter. Criteria: Invitae Variant Classification Sherloc (09022015). Collection method: clinical testing. Allele origin: germline.

CeGaT Center for Human Genetics Tuebingen
Classification: Likely benign. Last evaluated: 2023-06-01. Review status: criteria provided, single submitter. Criteria: CeGaT Center For Human Genetics Tuebingen Variant Classification Criteria Version 2. Collection method: clinical testing. Allele origin: germline. Affected: yes. Observed: 1 variant allele.
Comment: TEK: BP4

NM_000459.5(TEK):c.59T>C (p.Val20Ala)

Gene: TEK (TEK receptor tyrosine kinase; plus strand). Cytogenetic location: 9p21.2.
Variant type: single nucleotide variant.
Coding change: c.59T>C on transcript NM_000459.5 (MANE Select); coding-DNA position 59, T replaced by C.
Protein change: p.Val20Ala; replaces valine 20 with alanine.
Molecular consequence: missense variant. On other transcripts: intron variant (1).
Genome position (GRCh38, 1-based): chr9:27,157,837, T>C. VCF-style: chr9-27157837-T-C. GRCh37 (hg19) VCF-style: chr9-27157835-T-C.
Other names: c.59T>C, p.Val20Ala (NM_001290077.2, NM_001375475.1, NM_001375476.1); c.53-10658T>C (NM_001290078.2); c.59T>C (NM_000459.3); short protein forms V20A.
Identifiers: ClinVar variation 2571330 (VCV002571330.31), dbSNP rs143178677, ClinGen allele CA5015827.
Genomic context (GRCh38, chr9:27,157,837, plus strand): 5'-ATGGGGTCATGTTAATAACCTTAGTCATACATTATTGTCTCTCTTTCCTTTTAGGAACTG[T>C]GGAAGGTGCCATGGACTTGATCTTGATCAATTCCCTACCTCTTGTATCTGATGCTGAAAC-3'
Protein context (NP_000450.3, residues 10-30): CGVSLLLSGT[Val20Ala]EGAMDLILIN